The following is an entry in ClinVar:

ClinVar aggregate classification (germline): Uncertain significance (1 of 4 stars; one submission).

gnomAD v4.1: 8 of 1,614,162 alleles (0.0005%); highest among the groups gnomAD compares: Non-Finnish European, 0.00068%; no homozygotes.

Submission:

Mayo Clinic Laboratories, Mayo Clinic
Classification: Uncertain significance. Last evaluated: 2025-03-07. Review status: criteria provided, single submitter. Criteria: ACMG Guidelines, 2015. Collection method: clinical testing. Allele origin: germline. Observed: 1 variant allele.
Comment: BP4_moderate

NM_203446.3(SYNJ1):c.661A>G (p.Thr221Ala)

Gene: SYNJ1 (synaptojanin 1; minus strand). Cytogenetic location: 21q22.11.
Variant type: single nucleotide variant.
Coding change: c.661A>G on transcript NM_203446.3 (MANE Select); coding-DNA position 661, A replaced by G.
Protein change: p.Thr221Ala; replaces threonine 221 with alanine.
Molecular consequence: missense variant.
Genome position (GRCh38, 1-based): chr21:32,695,101, T>C on the plus strand (A>G on the coding strand, the complement: SYNJ1 is on the minus strand). VCF-style: chr21-32695101-T-C. GRCh37 (hg19) VCF-style: chr21-34067411-T-C.
Other names: p.Thr260Ala; c.661A>G, p.Thr221Ala (NM_001160302.2, NM_001160306.2); c.778A>G, p.Thr260Ala (NM_003895.4); short protein forms T260A, T221A.
Identifiers: ClinVar variation 4542407 (VCV004542407.1).
Genomic context (GRCh38, chr21:32,695,101, plus strand): 5'-AAAACACTATATATACCTGTTCTGTTTCTACAAAATTGGCAACATGACCATCATCATTTG[T>C]TCCCCGGACATTAAACCTGGTCCCAGCTCGTTCACAGCTTAATCTTGAAATGAGGCAAGC-3'
Protein context (NP_982271.3, residues 211-231): RAGTRFNVRG[Thr221Ala]NDDGHVANFV